The following is an entry in ClinVar:

ClinVar aggregate classification (germline): Uncertain significance (1 of 4 stars; one submission).

Conditions:
Severe combined immunodeficiency due to DNA-PKcs deficiency. Also called: IMMUNODEFICIENCY 26 WITH NEUROLOGIC ABNORMALITIES; Immunodeficiency 26 with or without neurologic abnormalities. Identifiers: Orphanet 317425, MedGen C4014833, MONDO:0014423, OMIM 615966.

Submission:

Labcorp Genetics (formerly Invitae), Labcorp
Classification: Uncertain significance for Severe combined immunodeficiency due to DNA-PKcs deficiency. Last evaluated: 2022-04-07. Review status: criteria provided, single submitter. Criteria: Invitae Variant Classification Sherloc (09022015). Collection method: clinical testing. Allele origin: germline.
Comment: This sequence change replaces isoleucine, which is neutral and non-polar, with valine, which is neutral and non-polar, at codon 2005 of the PRKDC protein (p.Ile2005Val). This variant is not present in population databases (gnomAD no frequency). This variant has not been reported in the literature in individuals affected with PRKDC-related conditions. Experimental studies and prediction algorithms are not available or were not evaluated, and the functional significance of this variant is currently unknown. In summary, the available evidence is currently insufficient to determine the role of this variant in disease. Therefore, it has been classified as a Variant of Uncertain Significance.

NM_006904.7(PRKDC):c.6013A>G (p.Ile2005Val)

Gene: PRKDC (protein kinase, DNA-activated, catalytic subunit; minus strand). Cytogenetic location: 8q11.21.
Variant type: single nucleotide variant.
Coding change: c.6013A>G on transcript NM_006904.7 (MANE Select); coding-DNA position 6013, A replaced by G.
Protein change: p.Ile2005Val; replaces isoleucine 2005 with valine.
Molecular consequence: missense variant.
Genome position (GRCh38, 1-based): chr8:47,860,944, T>C on the plus strand (A>G on the coding strand, the complement: PRKDC is on the minus strand). VCF-style: chr8-47860944-T-C. GRCh37 (hg19) VCF-style: chr8-48773505-T-C.
Other names: c.6013A>G, p.Ile2005Val (NM_001081640.2); short protein forms I2005V.
Identifiers: ClinVar variation 1958791 (VCV001958791.5), dbSNP rs1332098729, ClinGen allele CA371161557.